The following is an entry in ClinVar:

ClinVar aggregate classification (germline): Uncertain significance (1 of 4 stars; one submission).

Conditions:
Cardiovascular phenotype. Identifiers: MedGen CN230736.

Submission:

Ambry Genetics
Classification: Uncertain significance for Cardiovascular phenotype. Last evaluated: 2020-07-22. Review status: criteria provided, single submitter. Criteria: Ambry Variant Classification Scheme 2023. Collection method: clinical testing. Allele origin: germline.
Comment: The p.K5761N variant (also known as c.17283G>C), located in coding exon 68 of the TTN gene, results from a G to C substitution at nucleotide position 17283. The lysine at codon 5761 is replaced by asparagine, an amino acid with similar properties. This amino acid position is well conserved in available vertebrate species. In addition, this alteration is predicted to be tolerated by in silico analysis. Since supporting evidence is limited at this time, the clinical significance of this alteration remains unclear.

NM_001267550.2(TTN):c.44478G>C (p.Lys14826Asn)

Gene: TTN (titin; minus strand). Cytogenetic location: 2q31.2.
Variant type: single nucleotide variant.
Coding change: c.44478G>C on transcript NM_001267550.2 (MANE Select); coding-DNA position 44478, G replaced by C.
Protein change: p.Lys14826Asn; replaces lysine 14826 with asparagine.
Molecular consequence: missense variant.
Genome position (GRCh38, 1-based): chr2:178,625,343, C>G on the plus strand (G>C on the coding strand, the complement: TTN is on the minus strand). VCF-style: chr2-178625343-C-G. GRCh37 (hg19) VCF-style: chr2-179490070-C-G.
Other names: c.39555G>C, p.Lys13185Asn (NM_001256850.1); c.17283G>C, p.Lys5761Asn (NM_003319.4); c.36774G>C, p.Lys12258Asn (NM_133378.4); c.17658G>C, p.Lys5886Asn (NM_133432.3); c.17859G>C, p.Lys5953Asn (NM_133437.4); short protein forms K5761N, K12258N, K14826N, K5886N, K5953N, K13185N.
Identifiers: ClinVar variation 1778891 (VCV001778891.2), dbSNP rs2471198203, ClinGen allele CA349641637.